The following is an entry in ClinVar:

ClinVar aggregate classification (germline): Uncertain significance (1 of 4 stars; one submission).

Conditions:
Familial temporal lobe epilepsy 7. Identifiers: Orphanet 101046, MedGen C4225327, MONDO:0014639, OMIM 616436.
Norman-Roberts syndrome (LIS2). Also called: Lissencephaly 2 (Norman-Roberts type). Identifiers: Orphanet 89844, MedGen C0796089, MONDO:0009760, OMIM 257320.

Submission:

Labcorp Genetics (formerly Invitae), Labcorp
Classification: Uncertain significance for Familial temporal lobe epilepsy 7; Norman-Roberts syndrome. Last evaluated: 2020-04-23. Review status: criteria provided, single submitter. Criteria: Invitae Variant Classification Sherloc (09022015). Collection method: clinical testing. Allele origin: germline.
Comment: Algorithms developed to predict the effect of missense changes on protein structure and function are either unavailable or do not agree on the potential impact of this missense change (SIFT: "Deleterious"; PolyPhen-2: "Benign"; Align-GVGD: "Class C0"). This sequence change replaces methionine with threonine at codon 451 of the RELN protein (p.Met451Thr). The methionine residue is weakly conserved and there is a moderate physicochemical difference between methionine and threonine. This variant is not present in population databases (ExAC no frequency). This variant has not been reported in the literature in individuals with RELN-related conditions. In summary, the available evidence is currently insufficient to determine the role of this variant in disease. Therefore, it has been classified as a Variant of Uncertain Significance.

NM_005045.4(RELN):c.1352T>C (p.Met451Thr)

Genes: RELN (reelin; minus strand), LOC126860131 (MED14-independent group 3 enhancer GRCh37_chr7:103301048-103302247; plus strand). Cytogenetic location: 7q22.1.
Variant type: single nucleotide variant.
Coding change: c.1352T>C on transcript NM_005045.4 (MANE Select); coding-DNA position 1352, T replaced by C.
Protein change: p.Met451Thr; replaces methionine 451 with threonine.
Molecular consequence: missense variant.
Genome position (GRCh38, 1-based): chr7:103,661,465, A>G on the plus strand (T>C on the coding strand, the complement: RELN is on the minus strand). VCF-style: chr7-103661465-A-G. GRCh37 (hg19) VCF-style: chr7-103301912-A-G.
Other names: c.1352T>C, p.Met451Thr (NM_173054.3); short protein forms M451T.
Identifiers: ClinVar variation 1017262 (VCV001017262.10), dbSNP rs1833139566, ClinGen allele CA368768195.